The following is an entry in ClinVar:

NM_002519.3(NPAT):c.1091C>G (p.Thr364Ser)

Gene: NPAT (nuclear protein, coactivator of histone transcription; minus strand). Cytogenetic location: 11q22.3.
Variant type: single nucleotide variant.
Coding change: c.1091C>G on transcript NM_002519.3 (MANE Select); coding-DNA position 1091, C replaced by G.
Protein change: p.Thr364Ser; replaces threonine 364 with serine.
Molecular consequence: missense variant.
Genome position (GRCh38, 1-based): chr11:108,176,287, G>C on the plus strand (C>G on the coding strand, the complement: NPAT is on the minus strand). VCF-style: chr11-108176287-G-C. GRCh37 (hg19) VCF-style: chr11-108047014-G-C.
Other names: c.1091C>G, p.Thr364Ser (NM_001321307.1); short protein forms T364S.
Identifiers: ClinVar variation 1789406 (VCV001789406.2), dbSNP rs2496725703, ClinGen allele CA382516756.

ClinVar aggregate classification (germline): Uncertain significance (1 of 4 stars; one submission).

Allele frequency attached by ClinVar (database versions not stated): gnomAD exomes below 0.00001.
gnomAD v4.1: 3 of 1,586,590 alleles (0.00019%); highest among the groups gnomAD compares: South Asian, 0.0022%; no homozygotes.

Submission:

Ambry Genetics
Classification: Uncertain significance. Last evaluated: 2022-06-24. Review status: criteria provided, single submitter. Criteria: Ambry Variant Classification Scheme 2023. Collection method: clinical testing. Allele origin: germline.
Comment: The p.T364S variant (also known as c.1091C>G), located in coding exon 12 of the NPAT gene, results from a C to G substitution at nucleotide position 1091. The threonine at codon 364 is replaced by serine, an amino acid with similar properties. This amino acid position is conserved. In addition, this alteration is predicted to be tolerated by in silico analysis. Since supporting evidence is limited at this time, the clinical significance of this alteration remains unclear.